The following is an entry in ClinVar:

NM_000051.4(ATM):c.6995T>G (p.Leu2332Arg)

Genes: ATM (ATM serine/threonine kinase; plus strand), C11orf65 (chromosome 11 open reading frame 65; minus strand). Cytogenetic location: 11q22.3.
Variant type: single nucleotide variant.
Coding change: c.6995T>G on transcript NM_000051.4 (MANE Select); coding-DNA position 6995, T replaced by G.
Protein change: p.Leu2332Arg; replaces leucine 2332 with arginine.
Molecular consequence: missense variant. On other transcripts: intron variant (2).
Genome position (GRCh38, 1-based): chr11:108,327,664, T>G. VCF-style: chr11-108327664-T-G. GRCh37 (hg19) VCF-style: chr11-108198391-T-G.
Other names: c.6995T>G, p.Leu2332Arg (NM_001351834.2); c.641-18593A>C (NM_001330368.2); c.*38+7556A>C (NM_001351110.2); short protein forms L2332R.
Identifiers: ClinVar variation 216229 (VCV000216229.10), dbSNP rs4988111, ClinGen allele CA339534.
Genomic context (GRCh38, chr11:108,327,664, plus strand): 5'-GGTAATGCATTATATTTTAAGATTTTGCCTTTCTTATACAGAACAATCCCAGCCTAAAAC[T>G]TACATACACAGAATGTCTGAGGGTTTGTGGCAACTGGTTAGCAGAAACGTGCTTAGAAAA-3'
Protein context (NP_000042.3, residues 2322-2342): SCAANNPSLK[Leu2332Arg]TYTECLRVCG

ClinVar aggregate classification (germline): Uncertain significance. Review status: criteria provided, multiple submitters, no conflicts (2 of 4 stars). 2 submissions from 2 submitters: Uncertain significance (2). Last evaluated 2024-07-24.

Conditions:
Hereditary cancer-predisposing syndrome. Also called: Neoplastic Syndromes, Hereditary; Hereditary neoplastic syndrome; Tumor predisposition; Hereditary Cancer Syndrome. Identifiers: Orphanet 140162, MedGen C0027672, MeSH D009386, MONDO:0015356.
Ataxia-telangiectasia syndrome (AT). Also called: Ataxia telangiectasia (A-T); Cerebello-oculocutaneous telangiectasia; Immunodeficiency with ataxia telangiectasia; LOUIS-BAR SYNDROME; AT, COMPLEMENTATION GROUP C; ATAXIA-TELANGIECTASIA, FRESNO VARIANT. Identifiers: Orphanet 100, MedGen C0004135, MONDO:0008840, OMIM 208900.

gnomAD v4.1: 1 of 1,613,912 alleles (0.000062%); highest among the groups gnomAD compares: Non-Finnish European, 0.000085%; no homozygotes.

Submissions (2):

Labcorp Genetics (formerly Invitae), Labcorp
Classification: Uncertain significance for Ataxia-telangiectasia syndrome. Last evaluated: 2024-07-24. Review status: criteria provided, single submitter. Criteria: Invitae Variant Classification Sherloc (09022015). Collection method: clinical testing. Allele origin: germline.
Comment: This sequence change replaces leucine, which is neutral and non-polar, with arginine, which is basic and polar, at codon 2332 of the ATM protein (p.Leu2332Arg). This variant is not present in population databases (gnomAD no frequency). This variant has not been reported in the literature in individuals affected with ATM-related conditions. ClinVar contains an entry for this variant (Variation ID: 216229). An algorithm developed to predict the effect of missense changes on protein structure and function (PolyPhen-2) suggests that this variant is likely to be tolerated. In summary, the available evidence is currently insufficient to determine the role of this variant in disease. Therefore, it has been classified as a Variant of Uncertain Significance.

Ambry Genetics
Classification: Uncertain significance for Hereditary cancer-predisposing syndrome. Last evaluated: 2023-07-12. Review status: criteria provided, single submitter. Criteria: Ambry Variant Classification Scheme 2023. Collection method: clinical testing. Allele origin: germline.
Comment: The p.L2332R variant (also known as c.6995T>G), located in coding exon 47 of the ATM gene, results from a T to G substitution at nucleotide position 6995. The leucine at codon 2332 is replaced by arginine, an amino acid with dissimilar properties. This amino acid position is not well conserved in available vertebrate species. In addition, the in silico prediction for this alteration is inconclusive. Since supporting evidence is limited at this time, the clinical significance of this alteration remains unclear.